The following is an entry in ClinVar:

NM_001017974.2(P4HA2):c.1474G>T (p.Glu492Ter)

Gene: P4HA2 (prolyl 4-hydroxylase subunit alpha 2; minus strand). Cytogenetic location: 5q31.1.
Variant type: single nucleotide variant.
Coding change: c.1474G>T on transcript NM_001017974.2 (MANE Select); coding-DNA position 1474, G replaced by T.
Protein change: p.Glu492Ter; replaces glutamic acid 492 with a stop codon.
Molecular consequence: nonsense.
Genome position (GRCh38, 1-based): chr5:132,194,983, C>A on the plus strand (G>T on the coding strand, the complement: P4HA2 is on the minus strand). VCF-style: chr5-132194983-C-A. GRCh37 (hg19) VCF-style: chr5-131530676-C-A.
Other names: c.1474G>T, p.Glu492Ter (NM_001142598.2, NM_001365678.2, NM_001365679.2 and 1 more transcripts); c.1480G>T, p.Glu494Ter (NM_001142599.2, NM_001365677.2, NM_004199.3); c.1297G>T, p.Glu433Ter (NM_001365681.2); short protein forms E433*, E494*, E492*.
Identifiers: ClinVar variation 4977682 (VCV004977682.1).

ClinVar aggregate classification (germline): Uncertain significance (1 of 4 stars; one submission).

Conditions:
P4HA2-related disorder. Also called: P4HA2-related condition.

gnomAD v4.1: 10 of 1,613,604 alleles (0.00062%); highest among the groups gnomAD compares: African/African-American, 0.008%; no homozygotes.

Submission:

PreventionGenetics, part of Exact Sciences
Classification: Uncertain significance for P4HA2-related condition. Last evaluated: 2025-05-30. Review status: criteria provided, single submitter. Criteria: ACMG Guidelines, 2015. Collection method: clinical testing. Allele origin: germline.
Comment: The P4HA2 c.1480G>T variant is predicted to result in premature protein termination (p.Glu494*). To our knowledge, this variant has not been reported in the literature or in a large population database (gnomAD), indicating this variant is rare. At this time, the clinical significance of this variant is uncertain due to the absence of conclusive functional and genetic evidence.